The following is an entry in ClinVar:

NM_012330.4(KAT6B):c.*6G>A

Gene: KAT6B (lysine acetyltransferase 6B; plus strand). Cytogenetic location: 10q22.2.
Variant type: single nucleotide variant.
Coding change: c.*6G>A on transcript NM_012330.4 (MANE Select); 6 bases downstream of the stop codon, G replaced by A.
Molecular consequence: 3 prime UTR variant.
Genome position (GRCh38, 1-based): chr10:75,031,052, G>A. VCF-style: chr10-75031052-G-A. GRCh37 (hg19) VCF-style: chr10-76790810-G-A.
Other names: c.*6G>A (NM_001256468.2, NM_001256469.2, NM_001370132.1 and 12 more transcripts).
Identifiers: ClinVar variation 2571677 (VCV002571677.1), dbSNP rs1003223049, ClinGen allele CA209711594.
Genomic context (GRCh38, chr10:75,031,052, plus strand): 5'-CATGAACACAGGCATGTCCAAACAGTCTCTCAATGGCTCCTACATGAGAAGGTAGACAAC[G>A]TGGGCAGTCCACAAAACCTACGGGGCATCACTATTGGATTGATCTGCACAAATACCTTTG-3'

ClinVar aggregate classification (germline): Uncertain significance (1 of 4 stars; one submission).

Allele frequency attached by ClinVar (database versions not stated): gnomAD exomes 0.00002; gnomAD 0.00004; TOPMed 0.00007.
gnomAD v4.1: 36 of 1,613,856 alleles (0.0022%); highest among the groups gnomAD compares: African/African-American, 0.016%; no homozygotes.

Submission:

GeneDx
Classification: Uncertain significance. Last evaluated: 2023-01-04. Review status: criteria provided, single submitter. Criteria: GeneDx Variant Classification Process June 2021. Collection method: clinical testing. Allele origin: germline. Affected: yes.
Comment: Located in a region that tolerates variation and lacks pathogenic variants; Has not been previously published as pathogenic or benign to our knowledge